The following is an entry in ClinVar:

NM_003190.5(TAPBP):c.505C>T (p.Arg169Ter)

Gene: TAPBP (TAP binding protein; minus strand). Cytogenetic location: 6p21.32.
Variant type: single nucleotide variant.
Coding change: c.505C>T on transcript NM_003190.5 (MANE Select); coding-DNA position 505, C replaced by T.
Protein change: p.Arg169Ter; replaces arginine 169 with a stop codon.
Molecular consequence: nonsense.
Genome position (GRCh38, 1-based): chr6:33,305,352, G>A on the plus strand (C>T on the coding strand, the complement: TAPBP is on the minus strand). VCF-style: chr6-33305352-G-A. GRCh37 (hg19) VCF-style: chr6-33273129-G-A.
Other names: c.505C>T, p.Arg169Ter (NM_001410875.1, NM_172208.3); c.244C>T, p.Arg82Ter (NM_172209.3); short protein forms R169*, R82*.
Identifiers: ClinVar variation 2989486 (VCV002989486.3), dbSNP rs773218253, ClinGen allele CA3755870.

ClinVar aggregate classification (germline): Uncertain significance (1 of 4 stars; one submission).

Conditions:
MHC class I deficiency. Identifiers: Orphanet 34592, MedGen C6024714, MONDO:0011476.

Allele frequency attached by ClinVar (database versions not stated): gnomAD 0.00001; gnomAD exomes 0.00001; TOPMed below 0.00001.

Submission:

Labcorp Genetics (formerly Invitae), Labcorp
Classification: Uncertain significance for MHC class I deficiency 1. Last evaluated: 2022-12-18. Review status: criteria provided, single submitter. Criteria: Invitae Variant Classification Sherloc (09022015). Collection method: clinical testing. Allele origin: germline.
Comment: In summary, the available evidence is currently insufficient to determine the role of this variant in disease. Therefore, it has been classified as a Variant of Uncertain Significance. This variant has not been reported in the literature in individuals affected with TAPBP-related conditions. This variant is present in population databases (rs773218253, gnomAD 0.004%). This sequence change creates a premature translational stop signal (p.Arg169*) in the TAPBP gene. It is expected to result in an absent or disrupted protein product. However, the current clinical and genetic evidence is not sufficient to establish whether loss-of-function variants in TAPBP cause disease.